The following is an entry in ClinVar:

NM_003072.5(SMARCA4):c.4278C>T (p.Thr1426=)

Gene: SMARCA4 (SWI/SNF related BAF chromatin remodeling complex subunit ATPase 4; plus strand). Cytogenetic location: 19p13.2.
Variant type: single nucleotide variant.
Coding change: c.4278C>T on transcript NM_003072.5 (MANE Select); coding-DNA position 4278, C replaced by T.
Protein change: p.Thr1426=; no amino-acid change (threonine 1426 retained).
Molecular consequence: synonymous variant. On other transcripts: non-coding transcript variant (1).
Genome position (GRCh38, 1-based): chr19:11,041,414, C>T. VCF-style: chr19-11041414-C-T. GRCh37 (hg19) VCF-style: chr19-11152090-C-T.
Other names: c.4278C>T, p.Thr1426= (NM_001128844.3); c.4188C>T, p.Thr1396= (NM_001128845.2, NM_001128846.2); c.4179C>T, p.Thr1393= (NM_001128847.4, NM_001128848.2, NM_001374457.1); c.4374C>T, p.Thr1458= (NM_001128849.3, NM_001387283.1); c.4275C>T, p.Thr1425= (NM_001411150.1).
Identifiers: ClinVar variation 5042197 (VCV005042197.1).

ClinVar aggregate classification (germline): Benign (1 of 4 stars; one submission).

Conditions:
Rhabdoid tumor predisposition syndrome 2 (RTPS2). Identifiers: Orphanet 231108, Orphanet 69077, MedGen C2750074, MONDO:0013224, OMIM 613325.

Submission:

Myriad Genetics, Inc.
Classification: Benign for Rhabdoid tumor predisposition syndrome 2. Last evaluated: 2026-07-16. Review status: criteria provided, single submitter. Criteria: Myriad Autosomal Dominant, Autosomal Recessive and X-Linked Classification Criteria (2023). Collection method: clinical testing. Allele origin: unknown.
Comment: This variant is considered benign. This variant is a silent/synonymous amino acid change and it is not expected to impact splicing.